The following is an entry in ClinVar:

NM_000219.6(KCNE1):c.55G>T (p.Glu19Ter)

Gene: KCNE1 (potassium voltage-gated channel subfamily E regulatory subunit 1; minus strand). Cytogenetic location: 21q22.12.
Variant type: single nucleotide variant.
Coding change: c.55G>T on transcript NM_000219.6 (MANE Select); coding-DNA position 55, G replaced by T.
Protein change: p.Glu19Ter; replaces glutamic acid 19 with a stop codon.
Molecular consequence: nonsense.
Genome position (GRCh38, 1-based): chr21:34,449,580, C>A on the plus strand (G>T on the coding strand, the complement: KCNE1 is on the minus strand). VCF-style: chr21-34449580-C-A. GRCh37 (hg19) VCF-style: chr21-35821878-C-A.
Other names: c.55G>T, p.Glu19Ter (NM_001127668.4, NM_001127669.4, NM_001127670.4 and 4 more transcripts); short protein forms E19*.
Identifiers: ClinVar variation 3373924 (VCV003373924.2).

Conditions:
Long QT syndrome 5 (LQT5). Identifiers: Orphanet 101016, Orphanet 768, MedGen C1867904, MONDO:0013372, OMIM 613695.

Submission:

Roden Lab, Vanderbilt University Medical Center
No classification provided (evidence only). Condition: Long QT syndrome 5. Review status: no classification provided. Collection method: in vitro. Allele origin: not applicable. Functional consequence: Effect on ion channel function.
ClinVar note: "not provided" was previously submitted as the classification for the variant. However, the classification appeared to be based only on an observation of functional data so it was converted to no classification on 2025-07-30.